The following is an entry in ClinVar:

NM_020822.3(KCNT1):c.2317A>G (p.Lys773Glu)

Gene: KCNT1 (potassium sodium-activated channel subfamily T member 1; plus strand). Cytogenetic location: 9q34.3.
Variant type: single nucleotide variant.
Coding change: c.2317A>G on transcript NM_020822.3 (MANE Select); coding-DNA position 2317, A replaced by G.
Protein change: p.Lys773Glu; replaces lysine 773 with glutamic acid.
Molecular consequence: missense variant.
Genome position (GRCh38, 1-based): chr9:135,775,383, A>G. VCF-style: chr9-135775383-A-G. GRCh37 (hg19) VCF-style: chr9-138667229-A-G.
Other names: c.2182A>G, p.Lys728Glu (NM_001272003.2); short protein forms K728E, K773E.
Identifiers: ClinVar variation 3027299 (VCV003027299.22), dbSNP rs2491010454, ClinGen allele CA375512386.

ClinVar aggregate classification (germline): Uncertain significance (1 of 4 stars; one submission).

Submission:

CeGaT Center for Human Genetics Tuebingen
Classification: Uncertain significance. Last evaluated: 2024-02-01. Review status: criteria provided, single submitter. Criteria: CeGaT Center For Human Genetics Tuebingen Variant Classification Criteria Version 2. Collection method: clinical testing. Allele origin: germline. Affected: yes. Observed: 1 variant allele.
Comment: KCNT1: PM2